The following is an entry in ClinVar:

NM_005732.4(RAD50):c.172C>A (p.Pro58Thr)

Gene: RAD50 (RAD50 double strand break repair protein; plus strand). Cytogenetic location: 5q31.1.
Variant type: single nucleotide variant.
Coding change: c.172C>A on transcript NM_005732.4 (MANE Select); coding-DNA position 172, C replaced by A.
Protein change: p.Pro58Thr; replaces proline 58 with threonine.
Molecular consequence: missense variant.
Genome position (GRCh38, 1-based): chr5:132,559,326, C>A. VCF-style: chr5-132559326-C-A. GRCh37 (hg19) VCF-style: chr5-131895018-C-A.
Other names: short protein forms P58T.
Identifiers: ClinVar variation 1778942 (VCV001778942.4), dbSNP rs1060501964, ClinGen allele CA360953461.

ClinVar aggregate classification (germline): Uncertain significance. Review status: criteria provided, multiple submitters, no conflicts (2 of 4 stars). 2 submissions from 2 submitters: Uncertain significance (2). Last evaluated 2024-05-25.

Conditions:
Hereditary cancer-predisposing syndrome. Also called: Neoplastic Syndromes, Hereditary; Tumor predisposition; Hereditary Cancer Syndrome; Hereditary neoplastic syndrome. Identifiers: Orphanet 140162, MedGen C0027672, MeSH D009386, MONDO:0015356.
Nijmegen breakage syndrome-like disorder (NBSLD). Also called: MICROCEPHALY AND SPONTANEOUS CHROMOSOME INSTABILITY WITHOUT IMMUNODEFICIENCY; NBS-LIKE DISORDER; RAD50 DEFICIENCY. Identifiers: Orphanet 240760, MedGen C2751318, MONDO:0013118, OMIM 613078.

Submissions (2):

Ambry Genetics
Classification: Uncertain significance for Hereditary cancer-predisposing syndrome. Last evaluated: 2024-05-25. Review status: criteria provided, single submitter. Criteria: Ambry Variant Classification Scheme 2023. Collection method: clinical testing. Allele origin: germline.
Comment: The p.P58T variant (also known as c.172C>A), located in coding exon 2 of the RAD50 gene, results from a C to A substitution at nucleotide position 172. The proline at codon 58 is replaced by threonine, an amino acid with highly similar properties. This amino acid position is highly conserved in available vertebrate species. In addition, the in silico prediction for this alteration is inconclusive. Since supporting evidence is limited at this time, the clinical significance of this alteration remains unclear.

Baylor Genetics
Classification: Uncertain significance for Nijmegen breakage syndrome-like disorder. Last evaluated: 2023-05-05. Review status: criteria provided, single submitter. Criteria: ACMG Guidelines, 2015. Collection method: clinical testing. Allele origin: unknown.